The following is an entry in ClinVar:

ClinVar aggregate classification (germline): Uncertain significance. Review status: criteria provided, multiple submitters, no conflicts (2 of 4 stars). 2 submissions from 2 submitters: Uncertain significance (2). Last evaluated 2018-09-22.

Conditions:
Ataxia-telangiectasia syndrome (AT). Also called: LOUIS-BAR SYNDROME; Cerebello-oculocutaneous telangiectasia; Immunodeficiency with ataxia telangiectasia; Ataxia-telangiectasia, complementation group D; AT, COMPLEMENTATION GROUP C; Ataxia-telangiectasia, complementation group E. Identifiers: Orphanet 100, MedGen C0004135, MONDO:0008840, OMIM 208900.

Submissions (2):

Labcorp Genetics (formerly Invitae), Labcorp
Classification: Uncertain significance for Ataxia-telangiectasia syndrome. Last evaluated: 2018-09-22. Review status: criteria provided, single submitter. Criteria: Invitae Variant Classification Sherloc (09022015). Collection method: clinical testing. Allele origin: germline.
Comment: In summary, the available evidence is currently insufficient to determine the role of this variant in disease. Therefore, it has been classified as a Variant of Uncertain Significance. Algorithms developed to predict the effect of missense changes on protein structure and function are either unavailable or do not agree on the potential impact of this missense change (SIFT: "Tolerated"; PolyPhen-2: "Possibly Damaging"; Align-GVGD: "Class C0"). This variant has not been reported in the literature in individuals with ATM-related disease. ClinVar contains an entry for this variant (Variation ID: 422523). This variant is not present in population databases (ExAC no frequency). This sequence change replaces proline with alanine at codon 2648 of the ATM protein (p.Pro2648Ala). The proline residue is moderately conserved and there is a small physicochemical difference between proline and alanine.

GeneDx
Classification: Uncertain significance. Last evaluated: 2016-10-12. Review status: criteria provided, single submitter. Criteria: GeneDx Variant Classification (06012015). Collection method: clinical testing. Allele origin: germline. Affected: yes.
Comment: This variant is denoted ATM c.7942C>G at the cDNA level, p.Pro2648Ala (P2648A) at the protein level, and results in the change of a Proline to an Alanine (CCA>GCA). This variant has not, to our knowledge, been published in the literature as pathogenic or benign. ATM Pro2648Ala was not observed in approximately 6,500 individuals of European and African American ancestry in the NHLBI Exome Sequencing Project, suggesting it is not a common benign variant in these populations. Since Proline and Alanine differ in some properties, this is considered a semi-conservative amino acid substitution. ATM Pro2648Ala occurs at a position that is conserved across species and is not located in a known functional domain (Tavtigian 2009, Stracker 2013). In silico analyses predict that this variant is probably damaging to protein structure and function. Based on currently available evidence, it is unclear whether ATM Pro2648Ala is a pathogenic or benign variant. We consider it to be a variant of uncertain significance.

NM_000051.4(ATM):c.7942C>G (p.Pro2648Ala)

Genes: ATM (ATM serine/threonine kinase; plus strand), C11orf65 (chromosome 11 open reading frame 65; minus strand). Cytogenetic location: 11q22.3.
Variant type: single nucleotide variant.
Coding change: c.7942C>G on transcript NM_000051.4 (MANE Select); coding-DNA position 7942, C replaced by G.
Protein change: p.Pro2648Ala; replaces proline 2648 with alanine.
Molecular consequence: missense variant. On other transcripts: intron variant (2).
Genome position (GRCh38, 1-based): chr11:108,333,900, C>G. VCF-style: chr11-108333900-C-G. GRCh37 (hg19) VCF-style: chr11-108204627-C-G.
Other names: c.7942C>G, p.Pro2648Ala (NM_001351834.2); c.641-24829G>C (NM_001330368.2); c.*38+1320G>C (NM_001351110.2); short protein forms P2648A.
Identifiers: ClinVar variation 422523 (VCV000422523.11), dbSNP rs878853547, ClinGen allele CA16619243.